The following is an entry in ClinVar:

ClinVar aggregate classification (germline): Uncertain significance (1 of 4 stars; one submission).

Conditions:
Shwachman syndrome. Also called: Shwachman-Diamond Syndrome; PANCREATIC INSUFFICIENCY AND BONE MARROW DYSFUNCTION; SHWACHMAN-BODIAN SYNDROME. Identifiers: Orphanet 811, MedGen C0272170, MONDO:0009833.

gnomAD v4.1: 1 of 1,614,044 alleles (0.000062%); no homozygotes.

Submission:

Broad Center for Mendelian Genomics, Broad Institute of MIT and Harvard
Classification: Uncertain significance for Shwachman syndrome. Last evaluated: 2025-01-10. Review status: criteria provided, single submitter. Criteria: ACMG Guidelines, 2015. Collection method: curation. Allele origin: germline. Inheritance: Autosomal recessive inheritance.
Comment: The p.Asp92Asn variant in EFL1 has not been previously reported in individuals with Shwachman-Diamond syndrome, but has been identified in 0.001% (1/60378) of remaining chromosomes by the Genome Aggregation Database (gnomAD; dbSNP rs1251779749). Although this variant has been seen in the general population in a heterozygous state, its frequency is low enough to be consistent with a recessive carrier frequency. Computational prediction tools and conservation analyses suggest that this variant may impact the protein, though this information is not predictive enough to determine pathogenicity. Furthermore, although this gene has been reported in association with Shwachman-Diamond syndrome, it currently has moderate evidence for these associations. In summary, the clinical significance of the p.Asp92Asn variant is uncertain.

NM_024580.6(EFL1):c.274G>A (p.Asp92Asn)

Gene: EFL1 (elongation factor like GTPase 1; minus strand). Cytogenetic location: 15q25.2.
Variant type: single nucleotide variant.
Coding change: c.274G>A on transcript NM_024580.6 (MANE Select); coding-DNA position 274, G replaced by A.
Protein change: p.Asp92Asn; replaces aspartic acid 92 with asparagine.
Molecular consequence: missense variant. On other transcripts: 5 prime UTR variant (1), non-coding transcript variant (1).
Genome position (GRCh38, 1-based): chr15:82,241,374, C>T on the plus strand (G>A on the coding strand, the complement: EFL1 is on the minus strand). VCF-style: chr15-82241374-C-T. GRCh37 (hg19) VCF-style: chr15-82533715-C-T.
Other names: NR_136410.2:n.414G>A; c.121G>A, p.Asp41Asn (NM_001040610.3); c.-516G>A (NM_001322844.2); c.274G>A, p.Asp92Asn (NM_001322845.2); short protein forms D41N, D92N.
Identifiers: ClinVar variation 3776994 (VCV003776994.1).